The following is an entry in ClinVar:

NM_006231.4(POLE):c.1787T>C (p.Phe596Ser)

Gene: POLE (DNA polymerase epsilon, catalytic subunit; minus strand). Cytogenetic location: 12q24.33.
Variant type: single nucleotide variant.
Coding change: c.1787T>C on transcript NM_006231.4 (MANE Select); coding-DNA position 1787, T replaced by C.
Protein change: p.Phe596Ser; replaces phenylalanine 596 with serine.
Molecular consequence: missense variant.
Genome position (GRCh38, 1-based): chr12:132,672,222, A>G on the plus strand (T>C on the coding strand, the complement: POLE is on the minus strand). VCF-style: chr12-132672222-A-G. GRCh37 (hg19) VCF-style: chr12-133248808-A-G.
Other names: short protein forms F596S.
Identifiers: ClinVar variation 946553 (VCV000946553.9), dbSNP rs2042944127, ClinGen allele CA387356219.

ClinVar aggregate classification (germline): Uncertain significance (1 of 4 stars; one submission).

Submission:

Labcorp Genetics (formerly Invitae), Labcorp
Classification: Uncertain significance. Last evaluated: 2019-04-25. Review status: criteria provided, single submitter. Criteria: Invitae Variant Classification Sherloc (09022015). Collection method: clinical testing. Allele origin: germline.
Comment: In summary, the available evidence is currently insufficient to determine the role of this variant in disease. Therefore, it has been classified as a Variant of Uncertain Significance. This sequence change replaces phenylalanine with serine at codon 596 of the POLE protein (p.Phe596Ser). The phenylalanine residue is highly conserved and there is a large physicochemical difference between phenylalanine and serine. This variant is not present in population databases (ExAC no frequency). This variant has not been reported in the literature in individuals with POLE-related conditions. Algorithms developed to predict the effect of missense changes on protein structure and function (SIFT, PolyPhen-2, Align-GVGD) all suggest that this variant is likely to be disruptive, but these predictions have not been confirmed by published functional studies and their clinical significance is uncertain.